The following is an entry in ClinVar:

NM_000092.5(COL4A4):c.1723_1729delinsCCCAT (p.Gly575fs)

Gene: COL4A4 (collagen type IV alpha 4 chain; minus strand). Cytogenetic location: 2q36.3.
Variant type: Indel.
Coding change: c.1723_1729delinsCCCAT on transcript NM_000092.5 (MANE Select); coding-DNA positions 1723 to 1729, GGGCCCC replaced by CCCAT.
Protein change: p.Gly575fs; shifts the reading frame from glycine 575.
Molecular consequence: frameshift variant.
Genome position (GRCh38, 1-based): chr2:227,080,517-227,080,523, GGGGCCC replaced by ATGGG on the plus strand (GGGCCCC replaced by CCCAT on the coding strand, the reverse complement: COL4A4 is on the minus strand). VCF-style: chr2-227080517-GGGGCCC-ATGGG. GRCh37 (hg19) VCF-style: chr2-227945233-GGGGCCC-ATGGG.
Other names: short protein forms G575fs.
Identifiers: ClinVar variation 3376646 (VCV003376646.1).

ClinVar aggregate classification (germline): Pathogenic (1 of 4 stars; one submission).

Conditions:
Alport syndrome. Also called: Hemorrhagic familial nephritis; Hemorrhagic hereditary nephritis; Congenital hereditary hematuria. Identifiers: Orphanet 63, MedGen C1567741, MONDO:0018965.

Submission:

Victorian Clinical Genetics Services, Murdoch Childrens Research Institute
Classification: Pathogenic for Alport syndrome. Last evaluated: 2022-02-02. Review status: criteria provided, single submitter. Criteria: ACMG Guidelines, 2015. Collection method: clinical testing. Allele origin: germline.
Comment: Based on the classification scheme VCGS_Germline_v1.3.3, this variant is classified as Pathogenic. Following criteria are met: 0103 - Loss of function is a known mechanism of disease in this gene and is associated with COL4A4-related nephropathy. Dominant Negative is a suspected mechanism of disease for this gene as it is a structural protein (PMID: 12028435). (I) 0108 - This gene is associated with both recessive and dominant disease (OMIM). (I) 0201 - Variant is predicted to cause nonsense-mediated decay (NMD) and loss of protein (premature termination codon is located at least 54 nucleotides upstream of the final exon-exon junction). (SP) 0251 - This variant is heterozygous. (I) 0301 - Variant is absent from gnomAD (both v2 and v3). (SP) 0701 - Other NMD variants comparable to the one identified in this case have very strong previous evidence for pathogenicity (ClinVar, Decipher). (SP) 0807 - This variant has no previous evidence of pathogenicity. (I) 0905 - No published segregation evidence has been identified for this variant. (I) 1007 - No published functional evidence has been identified for this variant. (I) Legend: (SP) - Supporting pathogenic, (I) - Information, (SB) - Supporting benign

Literature cited by the submitters: PubMed 12028435.